The following is an entry in ClinVar:

NM_000212.3(ITGB3):c.1736G>A (p.Trp579Ter)

Gene: ITGB3 (integrin subunit beta 3; plus strand). Cytogenetic location: 17q21.32.
Variant type: single nucleotide variant.
Coding change: c.1736G>A on transcript NM_000212.3 (MANE Select); coding-DNA position 1736, G replaced by A.
Protein change: p.Trp579Ter; replaces tryptophan 579 with a stop codon.
Molecular consequence: nonsense.
Genome position (GRCh38, 1-based): chr17:47,299,353, G>A. VCF-style: chr17-47299353-G-A. GRCh37 (hg19) VCF-style: chr17-45376719-G-A.
Other names: NM_000212.3:c.1736G>A; short protein forms W579*.
Identifiers: ClinVar variation 1330324 (VCV001330324.1), dbSNP rs2143129828, ClinGen allele CA400032429.

ClinVar aggregate classification (germline): Pathogenic (3 of 4 stars; one submission).

Conditions:
Glanzmann thrombasthenia. Also called: THROMBASTHENIA OF GLANZMANN AND NAEGELI; BLEEDING DISORDER, PLATELET-TYPE, 2; Thrombasthenia; PLATELET GLYCOPROTEIN IIb-IIIa DEFICIENCY; Glanzmann's thrombasthenia. Identifiers: Orphanet 849, MedGen C0040015, MONDO:0100326.

Submission:

ClinGen Platelet Disorders Variant Curation Expert Panel, ClinGen
Classification: Pathogenic for Glanzmann thrombasthenia. Last evaluated: 2021-11-04. Review status: reviewed by expert panel. Criteria: ClinGen Platelet ACMG Specifications v2. Collection method: curation. Allele origin: germline. Inheritance: Autosomal recessive inheritance.
Comment: The NM_000212.3(ITGB3):c.1736G>A (p.Trp579Ter) nonsense variant creates a premature stop codon in exon 11/15 leading to nonsense mediated decay in a gene in which loss-of-function is an established disease mechanism (PVS1). At least one proband has been reported with this variant, GT41 of PMID: 29675921 who meets the criteria for PP4_strong. This variant is absent from gnomAD v2.1.1 (PM2_Supporting). In summary, this variant meets the criteria to be classified as Pathogenic for autosomal recessive Glanzmann Thrombasthenia based on the ACMG/AMP criteria applied, as specified by the ClinGen PD VCEP: PVS1, PM2_supporting, PP4_strong. (VCEP specifications version 2; date of approval 11/04/2021)